The following is an entry in ClinVar:

ClinVar aggregate classification (germline): Uncertain significance (1 of 4 stars; one submission).

Submission:

Labcorp Genetics (formerly Invitae), Labcorp
Classification: Uncertain significance. Last evaluated: 2022-07-19. Review status: criteria provided, single submitter. Criteria: Invitae Variant Classification Sherloc (09022015). Collection method: clinical testing. Allele origin: germline.
Comment: This variant is present in population databases (rs761987436, gnomAD 0.0009%). This variant has not been reported in the literature in individuals affected with RAX2-related conditions. ClinVar contains an entry for this variant (Variation ID: 1006770). Algorithms developed to predict the effect of missense changes on protein structure and function are either unavailable or do not agree on the potential impact of this missense change (SIFT: "Deleterious"; PolyPhen-2: "Benign"; Align-GVGD: "Class C65"). In summary, the available evidence is currently insufficient to determine the role of this variant in disease. Therefore, it has been classified as a Variant of Uncertain Significance. This sequence change replaces arginine, which is basic and polar, with glycine, which is neutral and non-polar, at codon 44 of the RAX2 protein (p.Arg44Gly).

NM_001319074.4(RAX2):c.130C>G (p.Arg44Gly)

Gene: RAX2 (retina and anterior neural fold homeobox 2; minus strand). Cytogenetic location: 19p13.3.
Variant type: single nucleotide variant.
Coding change: c.130C>G on transcript NM_001319074.4 (MANE Select); coding-DNA position 130, C replaced by G.
Protein change: p.Arg44Gly; replaces arginine 44 with glycine.
Molecular consequence: missense variant.
Genome position (GRCh38, 1-based): chr19:3,771,613, G>C on the plus strand (C>G on the coding strand, the complement: RAX2 is on the minus strand). VCF-style: chr19-3771613-G-C. GRCh37 (hg19) VCF-style: chr19-3771611-G-C.
Other names: c.130C>G, p.Arg44Gly (NM_032753.4); short protein forms R44G.
Identifiers: ClinVar variation 1006770 (VCV001006770.8), dbSNP rs761987436, ClinGen allele CA9085114.